The following is an entry in ClinVar:

ClinVar aggregate classification (germline): Uncertain significance (1 of 4 stars; one submission).

Conditions:
Immunodeficiency, common variable, 7. Identifiers: Orphanet 1572, Orphanet 696894, MedGen C3542922, MONDO:0013862, OMIM 614699.

Allele frequency attached by ClinVar (database versions not stated): ExAC 0.00007; gnomAD 0.00003; gnomAD exomes 0.00004; TOPMed 0.00005; 1000 Genomes Project 0.00020; 1000 Genomes Project 30x 0.00031; ESP Exome Variant Server 0.00008.
gnomAD v4.1: 98 of 1,614,022 alleles (0.0061%); highest among the groups gnomAD compares: Admixed American, 0.01%; no homozygotes.

Submission:

Labcorp Genetics (formerly Invitae), Labcorp
Classification: Uncertain significance for Immunodeficiency, common variable, 7. Last evaluated: 2022-04-18. Review status: criteria provided, single submitter. Criteria: Invitae Variant Classification Sherloc (09022015). Collection method: clinical testing. Allele origin: germline.
Comment: This sequence change replaces isoleucine, which is neutral and non-polar, with valine, which is neutral and non-polar, at codon 300 of the CR2 protein (p.Ile300Val). This variant is present in population databases (rs374076318, gnomAD 0.01%). This variant has not been reported in the literature in individuals affected with CR2-related conditions. ClinVar contains an entry for this variant (Variation ID: 664407). Algorithms developed to predict the effect of missense changes on protein structure and function (SIFT, PolyPhen-2, Align-GVGD) all suggest that this variant is likely to be tolerated. In summary, the available evidence is currently insufficient to determine the role of this variant in disease. Therefore, it has been classified as a Variant of Uncertain Significance.

NM_001006658.3(CR2):c.898A>G (p.Ile300Val)

Genes: CR2 (complement C3d receptor 2; plus strand), LOC126805994 (BRD4-independent group 4 enhancer GRCh37_chr1:207642622-207643821; plus strand). Cytogenetic location: 1q32.2.
Variant type: single nucleotide variant.
Coding change: c.898A>G on transcript NM_001006658.3 (MANE Select); coding-DNA position 898, A replaced by G.
Protein change: p.Ile300Val; replaces isoleucine 300 with valine.
Molecular consequence: missense variant.
Genome position (GRCh38, 1-based): chr1:207,469,775, A>G. VCF-style: chr1-207469775-A-G. GRCh37 (hg19) VCF-style: chr1-207643120-A-G.
Other names: c.898A>G, p.Ile300Val (NM_001877.5); short protein forms I300V.
Identifiers: ClinVar variation 664407 (VCV000664407.6), dbSNP rs374076318, ClinGen allele CA1368576.